The following is an entry in ClinVar:

ClinVar aggregate classification (germline): Pathogenic (1 of 4 stars; one submission).

Allele frequency attached by ClinVar (database versions not stated): TOPMed 0.00001.

Submission:

Labcorp Genetics (formerly Invitae), Labcorp
Classification: Pathogenic. Last evaluated: 2025-04-14. Review status: criteria provided, single submitter. Criteria: Invitae Variant Classification Sherloc (09022015). Collection method: clinical testing. Allele origin: germline.
Comment: This sequence change creates a premature translational stop signal (p.Val208Cysfs*14) in the SLC4A11 gene. It is expected to result in an absent or disrupted protein product. Loss-of-function variants in SLC4A11 are known to be pathogenic (PMID: 17220209, 17679935). This variant is not present in population databases (gnomAD no frequency). This variant has not been reported in the literature in individuals affected with SLC4A11-related conditions. ClinVar contains an entry for this variant (Variation ID: 2903442). For these reasons, this variant has been classified as Pathogenic.

Literature cited by the submitters: PubMed 17220209; PubMed 17679935.

NM_001174089.2(SLC4A11):c.570del (p.Val192fs)

Gene: SLC4A11 (solute carrier family 4 member 11; minus strand). Cytogenetic location: 20p13.
Variant type: Deletion.
Coding change: c.570del on transcript NM_001174089.2 (MANE Select); coding-DNA position 570, one base deleted (A; older notation c.570delA).
Protein change: p.Val192fs; shifts the reading frame from valine 192.
Molecular consequence: frameshift variant. On other transcripts: non-coding transcript variant (3).
Genome position (GRCh38, 1-based): chr20:3,233,956, T deleted on the plus strand (A on the coding strand, the reverse complement: SLC4A11 is on the minus strand). VCF-style (leftmost placement, unchanged base first): chr20-3233955-CT-C. GRCh37 (hg19) VCF-style: chr20-3214601-CT-C.
Other names: c.699del, p.Val235fs (NM_001174090.2, NM_001400280.1); c.570del, p.Val192fs (NM_001363745.2); c.513del, p.Val173fs (NM_001400277.1, NM_001400278.1, NM_001400279.1); c.618del, p.Val208fs (NM_032034.4); short protein forms V192fs, V235fs, V173fs, V208fs.
Identifiers: ClinVar variation 2903442 (VCV002903442.3), dbSNP rs1178297876, ClinGen allele CA743609344.
Genomic context (GRCh38, chr20:3,233,955, plus strand): 5'-GGGGGCCAAGTGGCCTGGCAACTCACATGATGCAGAGCCACGACTGCTGGTACCGCACCC[CT>C]GTCACTGTGGCGGTGACCCCTTGGATGGTATCTGACAGCAGGTGGACTGAGGAAAGAGTG-3'